The following is an entry in ClinVar:

ClinVar aggregate classification (germline): Uncertain significance (1 of 4 stars; one submission).

Submission:

GeneDx
Classification: Uncertain significance. Last evaluated: 2025-05-21. Review status: criteria provided, single submitter. Criteria: GeneDx Variant Classification Process June 2021. Collection method: clinical testing. Allele origin: germline. Affected: yes.
Comment: Not observed at significant frequency in large population cohorts (gnomAD); In silico analysis supports that this missense variant has a deleterious effect on protein structure/function; Has not been previously published as pathogenic or benign to our knowledge

NM_006946.4(SPTBN2):c.4235G>T (p.Gly1412Val)

Gene: SPTBN2 (spectrin beta, non-erythrocytic 2; minus strand). Cytogenetic location: 11q13.2.
Variant type: single nucleotide variant.
Coding change: c.4235G>T on transcript NM_006946.4 (MANE Select); coding-DNA position 4235, G replaced by T.
Protein change: p.Gly1412Val; replaces glycine 1412 with valine.
Molecular consequence: missense variant.
Genome position (GRCh38, 1-based): chr11:66,696,320, C>A on the plus strand (G>T on the coding strand, the complement: SPTBN2 is on the minus strand). VCF-style: chr11-66696320-C-A. GRCh37 (hg19) VCF-style: chr11-66463791-C-A.
Other names: c.4256G>T, p.Gly1419Val (NM_001411025.1); c.4235G>T, p.Gly1412Val (NM_001437541.1); short protein forms G1412V, G1419V.
Identifiers: ClinVar variation 4531146 (VCV004531146.1).